The following is an entry in ClinVar:

NM_001386298.1(CIC):c.6209C>T (p.Thr2070Ile)

Gene: CIC (capicua transcriptional repressor; plus strand). Cytogenetic location: 19q13.2.
Variant type: single nucleotide variant.
Coding change: c.6209C>T on transcript NM_001386298.1 (MANE Select); coding-DNA position 6209, C replaced by T.
Protein change: p.Thr2070Ile; replaces threonine 2070 with isoleucine.
Molecular consequence: missense variant.
Genome position (GRCh38, 1-based): chr19:42,292,968, C>T. VCF-style: chr19-42292968-C-T. GRCh37 (hg19) VCF-style: chr19-42797120-C-T.
Other names: c.6209C>T, p.Thr2070Ile (NM_001304815.2, NM_001379482.1); c.6206C>T, p.Thr2069Ile (NM_001379480.1); c.3482C>T, p.Thr1161Ile (NM_001379484.1, NM_001379485.1, NM_015125.5); short protein forms T1161I, T2070I, T2069I.
Identifiers: ClinVar variation 208699 (VCV000208699.5), dbSNP rs797044893, ClinGen allele CA204709.
Genomic context (GRCh38, chr19:42,292,968, plus strand): 5'-ATGGGCTCCAGTCAGGCCTGGCTCAGCAAACAATTTTCTCCCCACTAGCAGGTTCCATGA[C>T]CTACAGCTTAGTGGCCCCCAAGGCCCAGCGGCCCAGCCCGAAGGCCCCCCAGAAAGTGAA-3'
Protein context (NP_001373227.1, residues 2060-2080): PFPSATAGSM[Thr2070Ile]YSLVAPKAQR

ClinVar aggregate classification (germline): Uncertain significance (1 of 4 stars; one submission).

Conditions:
Inborn genetic diseases. Identifiers: MedGen C0950123, MeSH D030342.

Allele frequency attached by ClinVar (database versions not stated): gnomAD exomes below 0.00001; TOPMed below 0.00001; gnomAD 0.00001.
gnomAD v4.1: 4 of 1,613,688 alleles (0.00025%); highest among the groups gnomAD compares: South Asian, 0.0011%; no homozygotes.

Submission:

Ambry Genetics
Classification: Uncertain significance for Inborn genetic diseases. Last evaluated: 2025-05-29. Review status: criteria provided, single submitter. Criteria: Ambry Variant Classification Scheme 2023. Collection method: clinical testing. Allele origin: germline.
Comment: The c.3482C>T (p.T1161I) alteration is located in coding exon 15 of the CIC gene. This alteration results from a C to T substitution at nucleotide position 3482, causing the threonine (T) at amino acid position 1161 to be replaced by an isoleucine (I). Based on data from gnomAD, the T allele has an overall frequency of <0.001% (1/247476) total alleles studied. The highest observed frequency was <0.001% (1/10032) of Ashkenazi Jewish alleles. This amino acid position is well conserved in available vertebrate species. The in silico prediction for this alteration is inconclusive. Based on insufficient or conflicting evidence, the clinical significance of this alteration remains unclear.